The following is an entry in ClinVar:

NM_033305.3(VPS13A):c.735_740delinsACCAG (p.Gly248fs)

Gene: VPS13A (vacuolar protein sorting 13 homolog A; plus strand). Cytogenetic location: 9q21.2.
Variant type: Indel.
Coding change: c.735_740delinsACCAG on transcript NM_033305.3 (MANE Select); coding-DNA positions 735 to 740, TCCAGA replaced by ACCAG.
Protein change: p.Gly248fs; shifts the reading frame from glycine 248.
Molecular consequence: frameshift variant.
Genome position (GRCh38, 1-based): chr9:77,214,367-77,214,372, TCCAGA replaced by ACCAG. VCF-style: chr9-77214367-TCCAGA-ACCAG. GRCh37 (hg19) VCF-style: chr9-79829283-TCCAGA-ACCAG.
Other names: c.735_740delinsACCAG, p.Gly248fs (NM_001018037.2, NM_001018038.3, NM_015186.4); short protein forms G248fs.
Identifiers: ClinVar variation 4816421 (VCV004816421.1).

ClinVar aggregate classification (germline): Likely pathogenic (1 of 4 stars; one submission).

Conditions:
VPS13A-related neurodegenerative disease. Also called: LEVINE-CRITCHLEY SYNDROME; Choreoacanthocytosis; Chorea-acanthocytosis; ACANTHOCYTOSIS WITH NEUROLOGIC DISORDER; VPS13A Disease; Choreaacanthocytosis. Identifiers: Orphanet 2388, MedGen C0393576, MONDO:0008695, OMIM 200150.

Submission:

Natera, Inc.
Classification: Likely pathogenic for Choreaacanthocytosis. Last evaluated: 2025-06-30. Review status: criteria provided, single submitter. Criteria: Natera Variant Classification Schema (03/2026). Collection method: clinical testing. Allele origin: germline.
Comment: The c.735_740delinsACCAG variant in VPS13A is a frameshift variant predicted to shift the reading frame beginning at codon 248 and leads to a stop codon 16 codons downstream. This variant is expected to result in nonsense mediated decay, truncation, or a dysfunctional protein product. This variant is rare in the general population with a frequency below the threshold expected for the associated phenotype(s). Given the available evidence, this variant is classified as Likely Pathogenic.